The following is an entry in ClinVar:

NM_001164508.2(NEB):c.12192G>A (p.Met4064Ile)

Gene: NEB (nebulin; minus strand). Cytogenetic location: 2q23.3.
Variant type: single nucleotide variant.
Coding change: c.12192G>A on transcript NM_001164508.2 (MANE Select); coding-DNA position 12192, G replaced by A.
Protein change: p.Met4064Ile; replaces methionine 4064 with isoleucine.
Molecular consequence: missense variant.
Genome position (GRCh38, 1-based): chr2:151,609,947, C>T on the plus strand (G>A on the coding strand, the complement: NEB is on the minus strand). VCF-style: chr2-151609947-C-T. GRCh37 (hg19) VCF-style: chr2-152466461-C-T.
Other names: c.12192G>A, p.Met4064Ile (NM_001164507.2, NM_001271208.2); c.11463G>A, p.Met3821Ile (NM_004543.5); short protein forms M4064I, M3821I.
Identifiers: ClinVar variation 1378863 (VCV001378863.3), dbSNP rs776639447, ClinGen allele CA1908579.

ClinVar aggregate classification (germline): Uncertain significance (1 of 4 stars; one submission).

Conditions:
Nemaline myopathy 2 (NEM2). Also called: Nemaline myopathy 2, autosomal recessive. Identifiers: MedGen C1850569, MONDO:0009725, OMIM 256030.

Allele frequency attached by ClinVar (database versions not stated): ExAC 0.00001; gnomAD exomes 0.00001; TOPMed below 0.00001.
gnomAD v4.1: 8 of 1,613,914 alleles (0.0005%); highest among the groups gnomAD compares: Admixed American, 0.013%; no homozygotes.

Submission:

Labcorp Genetics (formerly Invitae), Labcorp
Classification: Uncertain significance for Nemaline myopathy 2. Last evaluated: 2022-10-17. Review status: criteria provided, single submitter. Criteria: Invitae Variant Classification Sherloc (09022015). Collection method: clinical testing. Allele origin: germline.
Comment: This sequence change replaces methionine, which is neutral and non-polar, with isoleucine, which is neutral and non-polar, at codon 4064 of the NEB protein (p.Met4064Ile). This variant is present in population databases (rs776639447, gnomAD 0.006%). This variant has not been reported in the literature in individuals affected with NEB-related conditions. ClinVar contains an entry for this variant (Variation ID: 1378863). Algorithms developed to predict the effect of missense changes on protein structure and function are either unavailable or do not agree on the potential impact of this missense change (SIFT: "Deleterious"; PolyPhen-2: "Not Available"; Align-GVGD: "Class C0"). In summary, the available evidence is currently insufficient to determine the role of this variant in disease. Therefore, it has been classified as a Variant of Uncertain Significance.